The following is an entry in ClinVar:

ClinVar aggregate classification (germline): Uncertain significance. Review status: criteria provided, multiple submitters, no conflicts (2 of 4 stars). 2 submissions from 2 submitters: Uncertain significance (2). Last evaluated 2025-10-22.

Conditions:
Inborn genetic diseases. Identifiers: MedGen C0950123, MeSH D030342.

Allele frequency attached by ClinVar (database versions not stated): ExAC 0.00002; ESP Exome Variant Server 0.00008.
gnomAD v4.1: 11 of 1,613,706 alleles (0.00068%); highest among the groups gnomAD compares: South Asian, 0.0066%; no homozygotes.

Submissions (2):

Labcorp Genetics (formerly Invitae), Labcorp
Classification: Uncertain significance. Last evaluated: 2025-10-22. Review status: criteria provided, single submitter. Criteria: Invitae Variant Classification Sherloc (09022015). Collection method: clinical testing. Allele origin: germline.
Comment: This sequence change replaces tyrosine, which is neutral and polar, with cysteine, which is neutral and slightly polar, at codon 1062 of the CACNA1D protein (p.Tyr1062Cys). This variant is present in population databases (rs149327469, gnomAD 0.007%). This variant has not been reported in the literature in individuals affected with CACNA1D-related conditions. ClinVar contains an entry for this variant (Variation ID: 1988154). Invitae Evidence Modeling of protein sequence and biophysical properties (such as structural, functional, and spatial information, amino acid conservation, physicochemical variation, residue mobility, and thermodynamic stability) indicates that this missense variant is not expected to disrupt CACNA1D protein function with a negative predictive value of 80%. In summary, the available evidence is currently insufficient to determine the role of this variant in disease. Therefore, it has been classified as a Variant of Uncertain Significance.

Ambry Genetics
Classification: Uncertain significance for Inborn genetic diseases. Last evaluated: 2021-02-12. Review status: criteria provided, single submitter. Criteria: Ambry Variant Classification Scheme 2023. Collection method: clinical testing. Allele origin: germline.

NM_001128840.3(CACNA1D):c.3125A>G (p.Tyr1042Cys)

Gene: CACNA1D (calcium voltage-gated channel subunit alpha1 D; plus strand). Cytogenetic location: 3p21.1.
Variant type: single nucleotide variant.
Coding change: c.3125A>G on transcript NM_001128840.3 (MANE Select); coding-DNA position 3125, A replaced by G.
Protein change: p.Tyr1042Cys; replaces tyrosine 1042 with cysteine.
Molecular consequence: missense variant.
Genome position (GRCh38, 1-based): chr3:53,745,833, A>G. VCF-style: chr3-53745833-A-G. GRCh37 (hg19) VCF-style: chr3-53779860-A-G.
Other names: c.3185A>G, p.Tyr1062Cys (NM_000720.4); c.3125A>G, p.Tyr1042Cys (NM_001128839.3); short protein forms Y1042C, Y1062C.
Identifiers: ClinVar variation 1988154 (VCV001988154.5), dbSNP rs149327469, ClinGen allele CA2454458.
Genomic context (GRCh38, chr3:53,745,833, plus strand): 5'-TTTAAGGAGAAGCCTGCATTTACTTAACTGCCTGTCTATTTTATACCCAGGGGAAGTTCT[A>G]TCGCTGTACGGATGAAGCCAAAAGTAACCCTGAAGAATGCAGGTGAGCGTCCTGAGAGTG-3'
Protein context (NP_001122312.1, residues 1032-1052): IGVQLFKGKF[Tyr1042Cys]RCTDEAKSNP